The following is an entry in ClinVar:

NM_001242896.3(DEPDC5):c.983G>C (p.Arg328Pro)

Gene: DEPDC5 (DEP domain containing 5, GATOR1 subcomplex subunit; plus strand). Cytogenetic location: 22q12.3.
Variant type: single nucleotide variant.
Coding change: c.983G>C on transcript NM_001242896.3 (MANE Select); coding-DNA position 983, G replaced by C.
Protein change: p.Arg328Pro; replaces arginine 328 with proline.
Molecular consequence: missense variant. On other transcripts: non-coding transcript variant (5).
Genome position (GRCh38, 1-based): chr22:31,802,740, G>C. VCF-style: chr22-31802740-G-C. GRCh37 (hg19) VCF-style: chr22-32198726-G-C.
Other names: c.983G>C, p.Arg328Pro (NM_001007188.4, NM_001136029.4, NM_001242897.2 and 7 more transcripts); c.899G>C, p.Arg300Pro (NM_001369901.1, NM_001369902.1); short protein forms R328P, R300P.
Identifiers: ClinVar variation 420297 (VCV000420297.2), dbSNP rs775605247, ClinGen allele CA16621103.

ClinVar aggregate classification (germline): Uncertain significance (1 of 4 stars; one submission).

gnomAD v4.1: 1 of 1,597,108 alleles (0.000063%); highest among the groups gnomAD compares: East Asian, 0.0023%; no homozygotes.

Submission:

GeneDx
Classification: Uncertain significance. Last evaluated: 2016-01-29. Review status: criteria provided, single submitter. Criteria: GeneDx Variant Classification (06012015). Collection method: clinical testing. Allele origin: germline. Affected: yes.
Comment: The R328P variant in the DEPDC5 gene has not been reported previously as a pathogenic variant, nor as a benign variant, to our knowledge. The R328P variant was not observed in approximately 6100 individuals of European and African American ancestry in the NHLBI Exome Sequencing Project, indicating it is not a common benign variant in these populations. The R328P variant is a non-conservative amino acid substitution, which occurs at a position that is conserved across species, and in silico analysis predicts this variant is probably damaging to the protein structure/function. However, most DEPDC5-related cortical brain malformations result from loss-of-function pathogenic variants (Stenson et al., 2014). Therefore, we interpret R328P as a variant of uncertain significance